The following is an entry in ClinVar:

ClinVar aggregate classification (germline): Likely benign (0 of 4 stars; one submission).

Conditions:
NALCN-related disorder. Also called: NALCN-related disorders; NALCN-related condition.

Submission:

PreventionGenetics, part of Exact Sciences
Classification: Likely benign for NALCN-related condition. Last evaluated: 2022-09-27. Review status: no assertion criteria provided. Collection method: clinical testing. Allele origin: germline.
Comment: This variant is classified as likely benign based on ACMG/AMP sequence variant interpretation guidelines (Richards et al. 2015 PMID: 25741868, with internal and published modifications).

NM_052867.4(NALCN):c.2364+6_2364+12del

Gene: NALCN (sodium leak channel, non-selective; minus strand). Cytogenetic location: 13q33.1.
Variant type: Deletion.
Coding change: c.2364+6_2364+12del on transcript NM_052867.4 (MANE Select); bases 6 to 12 of the intron after coding-DNA position 2364, 7 bases deleted (TTTTAAG; older notation c.2364+6_2364+12delTTTTAAG).
Molecular consequence: splice donor variant.
Genome position (GRCh38, 1-based): chr13:101,110,607-101,110,613, CTTAAAA deleted on the plus strand (TTTTAAG on the coding strand, the reverse complement: NALCN is on the minus strand); deleting any 7 consecutive bases within chr13:101,110,607-101,110,617 gives the same sequence; the c. name uses the placement nearest the transcript's 3' end. VCF-style (leftmost placement, unchanged base first): chr13-101110606-GCTTAAAA-G. GRCh37 (hg19) VCF-style: chr13-101762957-GCTTAAAA-G.
Other names: c.2277+6_2277+12del (NM_001350751.2, NM_001350750.2); c.2364+6_2364+12del (NM_001350749.2); c.2451+6_2451+12del (NM_001350748.2).
Identifiers: ClinVar variation 3036529 (VCV003036529.2), dbSNP rs752750623, ClinGen allele CA7035742.